The following is an entry in ClinVar:

NM_001100913.3(PACS2):c.2267G>C (p.Gly756Ala)

Gene: PACS2 (phosphofurin acidic cluster sorting protein 2; plus strand). Cytogenetic location: 14q32.33.
Variant type: single nucleotide variant.
Coding change: c.2267G>C on transcript NM_001100913.3 (MANE Select); coding-DNA position 2267, G replaced by C.
Protein change: p.Gly756Ala; replaces glycine 756 with alanine.
Molecular consequence: missense variant.
Genome position (GRCh38, 1-based): chr14:105,392,630, G>C. VCF-style: chr14-105392630-G-C. GRCh37 (hg19) VCF-style: chr14-105858967-G-C.
Other names: c.1997G>C, p.Gly666Ala (NM_001243127.3); c.2222G>C, p.Gly741Ala (NM_015197.4); short protein forms G666A, G741A, G756A.
Identifiers: ClinVar variation 5018272 (VCV005018272.1).
Genomic context (GRCh38, chr14:105,392,630, plus strand): 5'-CACTAGGCCCAAAGATGCAGGTGTGAATGCCTCCCTCTGCCTTTCCCAGCCAGGGTGTCG[G>C]CGCCGAGCTGATGGGGCTGCAGGTGGACTACTGGACGGCAGCACAGCCTGCGGACAGGAA-3'
Protein context (NP_001094383.2, residues 746-766): GGLSSPSQGV[Gly756Ala]AELMGLQVDY

ClinVar aggregate classification (germline): Uncertain significance (1 of 4 stars; one submission).

Submission:

GeneDx
Classification: Uncertain significance. Last evaluated: 2026-04-06. Review status: criteria provided, single submitter. Criteria: GeneDx Variant Classification Process June 2021. Collection method: clinical testing. Allele origin: germline.
Comment: Not observed at significant frequency in large population cohorts (gnomAD); In silico analysis supports that this missense variant has a deleterious effect on protein structure/function; Has not been previously published as pathogenic or benign to our knowledge